The following is an entry in ClinVar:

ClinVar aggregate classification (oncogenicity): Likely oncogenic (1 of 4 stars; one submission).

Conditions:
Meningioma. Also called: Meningioma, somatic. Identifiers: Orphanet 2495, MedGen C0025286, MONDO:0016642, HP:0002858.

Submission:

Dr. Guy Rouleau's laboratory, McGill University
Classification: Likely oncogenic for Meningioma. Last evaluated: 2025-03-30. Review status: criteria provided, single submitter. Criteria: ClinGen/CGC/VICC Guidelines for Oncogenicity, 2022. Collection method: research. Allele origin: somatic. Affected: yes.
Comment: This missense variant, located at position 520 in the TRAF7 gene, results in the substitution of Asparagine (N), a neutral and polar amino acid, with Serine (S), an amino acid with similar properties. This somatic variant was identified in a paired tumor-blood sequencing study of meningiomas. Functional studies have demonstrated that this variant acts as a dominant negative by dimerizing with wild-type TRAF7 and disrupting its function (PMID: 37043537). It has been reported in meningiomas (PMIDs: 23404370, 31963394, 33407897, 35299730, 35568945, 35984495). However, it has not been documented in population databases (gnomAD v2.1.1: no frequency).

NM_032271.3(TRAF7):c.1559A>G (p.Asn520Ser)

Gene: TRAF7 (TNF receptor associated factor 7; plus strand). Cytogenetic location: 16p13.3.
Variant type: single nucleotide variant.
Coding change: c.1559A>G on transcript NM_032271.3 (MANE Select); coding-DNA position 1559, A replaced by G.
Protein change: p.Asn520Ser; replaces asparagine 520 with serine.
Molecular consequence: missense variant.
Genome position (GRCh38, 1-based): chr16:2,175,555, A>G. VCF-style: chr16-2175555-A-G. GRCh37 (hg19) VCF-style: chr16-2225556-A-G.
Other names: short protein forms N520S.
Identifiers: ClinVar variation 3897757 (VCV003897757.1).